The following is an entry in ClinVar:

ClinVar aggregate classification (germline): Likely pathogenic (1 of 4 stars; one submission).

Conditions:
Developmental and epileptic encephalopathy 6B. Also called: Developmental and epileptic encephalopathy 6B, non-Dravet. Identifiers: MedGen C5543353, MONDO:0030268, OMIM 619317.

Submission:

3billion
Classification: Likely pathogenic for Developmental and epileptic encephalopathy 6B. Last evaluated: 2023-12-08. Review status: criteria provided, single submitter. Criteria: ACMG Guidelines, 2015. Collection method: clinical testing. Allele origin: germline. Affected: yes.
Comment: The variant is not observed in the gnomAD v2.1.1 dataset. Predicted Consequence/Location: Frameshift: predicted to result in a loss or disruption of normal protein function through nonsense-mediated decay (NMD) or protein truncation. Multiple pathogenic variants are reported downstream of the variant. Therefore, this variant is classified as Likely pathogenic according to the recommendation of ACMG/AMP guideline.

NM_001165963.4(SCN1A):c.105_106del (p.Asn36fs)

Gene: SCN1A (sodium voltage-gated channel alpha subunit 1; minus strand). Cytogenetic location: 2q24.3.
Variant type: Deletion.
Coding change: c.105_106del on transcript NM_001165963.4 (MANE Select); coding-DNA positions 105 to 106, 2 bases deleted (GA; older notation c.105_106delGA).
Protein change: p.Asn36fs; shifts the reading frame from asparagine 36.
Molecular consequence: frameshift variant. On other transcripts: 5 prime UTR variant (1), non-coding transcript variant (1).
Genome position (GRCh38, 1-based): chr2:166,073,516-166,073,517, TC deleted on the plus strand (GA on the coding strand, the reverse complement: SCN1A is on the minus strand); deleting any 2 consecutive bases within chr2:166,073,516-166,073,518 gives the same sequence; the c. name uses the placement nearest the transcript's 3' end. VCF-style (leftmost placement, unchanged base first): chr2-166073515-TTC-T. GRCh37 (hg19) VCF-style: chr2-166930025-TTC-T.
Other names: c.105_106del, p.Asn36fs (NM_001165964.3, NM_001202435.3, NM_001353948.2 and 10 more transcripts); c.-2321_-2320del (NM_001353961.2); short protein forms N36fs.
Identifiers: ClinVar variation 3775752 (VCV003775752.1).